The following is an entry in ClinVar:

ClinVar aggregate classification (germline): Uncertain significance (1 of 4 stars; one submission).

Submission:

GeneDx
Classification: Uncertain significance. Last evaluated: 2016-03-08. Review status: criteria provided, single submitter. Criteria: GeneDx Variant Classification (06012015). Collection method: clinical testing. Allele origin: germline. Affected: yes.
Comment: The L67F variant in the AFF2 gene has not been reported previously as a pathogenic variant, nor as a benign variant, to our knowledge. The L67F variant was not observed in approximately 6500 individuals of European and African American ancestry in the NHLBI Exome Sequencing Project, indicating it is not a common benign variant in these populations. The L67F variant is a conservative amino acid substitution, which is not likely to impact secondary protein structure as these residues share similar properties. However, this substitution occurs at a position that is conserved across species and in silico analysis predicts this variant is probably damaging to the protein structure/function. We interpret L67F as a variant of uncertain significance.

NM_002025.4(AFF2):c.199C>T (p.Leu67Phe)

Gene: AFF2 (AF4/FMR2 family member 2; plus strand). Cytogenetic location: Xq28.
Variant type: single nucleotide variant.
Coding change: c.199C>T on transcript NM_002025.4 (MANE Select); coding-DNA position 199, C replaced by T.
Protein change: p.Leu67Phe; replaces leucine 67 with phenylalanine.
Molecular consequence: missense variant.
Genome position (GRCh38, 1-based): chrX:148,661,926, C>T. VCF-style: chrX-148661926-C-T. GRCh37 (hg19) VCF-style: chrX-147743447-C-T.
Other names: c.187C>T, p.Leu63Phe (NM_001169122.2, NM_001169123.2, NM_001169125.2); c.199C>T, p.Leu67Phe (NM_001169124.2); short protein forms L67F, L63F.
Identifiers: ClinVar variation 384331 (VCV000384331.2), dbSNP rs1057521925, ClinGen allele CA16609131.